The following is an entry in ClinVar:

ClinVar aggregate classification (germline): Uncertain significance. Review status: criteria provided, multiple submitters, no conflicts (2 of 4 stars). 4 submissions from 4 submitters: Uncertain significance (4). Last evaluated 2025-09-26.

Conditions:
Inborn genetic diseases. Identifiers: MedGen C0950123, MeSH D030342.
Muscular dystrophy-dystroglycanopathy (congenital with brain and eye anomalies), type A14. Also called: Congenital Muscular Dystrophy-Dystroglycanopathy with Brain and Eye Anomalies Type A 14; Congenital muscular dystrophy-dystroglycanopathy with brain and eye anomalies, type A14; Muscular dystrophy-dystroglycanopathy (congenital with brain and eye anomalies), type a, 14; WALKER-WARBURG SYNDROME OR MUSCLE-EYE-BRAIN DISEASE, GMPPB-RELATED. Identifiers: Orphanet 588, MedGen C3809216, MONDO:0014140, OMIM 615350.
Muscular dystrophy-dystroglycanopathy (congenital with impaired intellectual development), type B, 14. Also called: Congenital muscular dystrophy-dystroglycanopathy with mental retardation, type B14; MUSCULAR DYSTROPHY, CONGENITAL, GMPPB-RELATED; Muscular dystrophy-dystroglycanopathy (congenital with intellectual disability), type B14. Identifiers: MedGen C3809221, MONDO:0014141, OMIM 615351.
Autosomal recessive limb-girdle muscular dystrophy type 2T. Also called: Limb-girdle muscular dystrophy-dystroglycanopathy, type C14; MUSCULAR DYSTROPHY-DYSTROGLYCANOPATHY, LIMB-GIRDLE, GMPPB-RELATED; MUSCULAR DYSTROPHY, LIMB-GIRDLE, TYPE 2T; Muscular dystrophy-dystroglycanopathy (limb-girdle), type c, 14. Identifiers: Orphanet 363623, MedGen C4518000, MONDO:0014142, OMIM 615352.

Allele frequency attached by ClinVar (database versions not stated): ESP Exome Variant Server 0.00015; TOPMed 0.00006; gnomAD exomes 0.00009; gnomAD 0.00003; ExAC 0.00008.

Submissions (4):

Ambry Genetics
Classification: Uncertain significance for Inborn genetic diseases. Last evaluated: 2025-09-26. Review status: criteria provided, single submitter. Criteria: Ambry Variant Classification Scheme 2023. Collection method: clinical testing. Allele origin: germline.

GeneDx
Classification: Uncertain significance. Last evaluated: 2024-01-30. Review status: criteria provided, single submitter. Criteria: GeneDx Variant Classification Process June 2021. Collection method: clinical testing. Allele origin: germline. Affected: yes.
Comment: In silico analysis supports that this missense variant has a deleterious effect on protein structure/function; Has not been previously published as pathogenic or benign to our knowledge

Labcorp Genetics (formerly Invitae), Labcorp
Classification: Uncertain significance for Autosomal recessive limb-girdle muscular dystrophy type 2T; Muscular dystrophy-dystroglycanopathy (congenital with brain and eye anomalies), type A14; Muscular dystrophy-dystroglycanopathy (congenital with impaired intellectual development), type B, 14. Last evaluated: 2022-08-18. Review status: criteria provided, single submitter. Criteria: Invitae Variant Classification Sherloc (09022015). Collection method: clinical testing. Allele origin: germline.
Comment: This sequence change replaces asparagine, which is neutral and polar, with serine, which is neutral and polar, at codon 271 of the GMPPB protein (p.Asn271Ser). This variant is present in population databases (rs370840899, gnomAD 0.02%). This variant has not been reported in the literature in individuals affected with GMPPB-related conditions. ClinVar contains an entry for this variant (Variation ID: 645452). Algorithms developed to predict the effect of missense changes on protein structure and function are either unavailable or do not agree on the potential impact of this missense change (SIFT: "Deleterious"; PolyPhen-2: "Possibly Damaging"; Align-GVGD: "Class C15"). In summary, the available evidence is currently insufficient to determine the role of this variant in disease. Therefore, it has been classified as a Variant of Uncertain Significance.

Revvity Omics, Revvity
Classification: Uncertain significance. Last evaluated: 2022-01-03. Review status: criteria provided, single submitter. Criteria: ACMG Guidelines, 2015. Collection method: clinical testing. Allele origin: germline.

NM_021971.4(GMPPB):c.812A>G (p.Asn271Ser)

Gene: GMPPB (GDP-mannose pyrophosphorylase B; minus strand). Cytogenetic location: 3p21.31.
Variant type: single nucleotide variant.
Coding change: c.812A>G on transcript NM_021971.4 (MANE Select); coding-DNA position 812, A replaced by G.
Protein change: p.Asn271Ser; replaces asparagine 271 with serine.
Molecular consequence: missense variant.
Genome position (GRCh38, 1-based): chr3:49,722,104, T>C on the plus strand (A>G on the coding strand, the complement: GMPPB is on the minus strand). VCF-style: chr3-49722104-T-C. GRCh37 (hg19) VCF-style: chr3-49759537-T-C.
Other names: c.812A>G, p.Asn271Ser (NM_013334.4); c.812A>G (NM_013334.2); short protein forms N271S.
Identifiers: ClinVar variation 645452 (VCV000645452.12), dbSNP rs370840899, ClinGen allele CA2405430.